The following is an entry in ClinVar:

NM_000548.5(TSC2):c.1258-4A>T

Gene: TSC2 (TSC complex subunit 2; plus strand). Cytogenetic location: 16p13.3.
Variant type: single nucleotide variant.
Coding change: c.1258-4A>T on transcript NM_000548.5 (MANE Select); 4 bases into the intron before coding-DNA position 1258, A replaced by T.
Molecular consequence: intron variant.
Genome position (GRCh38, 1-based): chr16:2,062,493, A>T. VCF-style: chr16-2062493-A-T. GRCh37 (hg19) VCF-style: chr16-2112494-A-T.
Other names: c.1258-4A>T (NM_000548.3, NM_001114382.3, NM_001406663.1 and 7 more transcripts); c.-87-4A>T (NM_001406693.1, NM_001406689.1, NM_001406690.1 and 4 more transcripts); c.1348-4A>T (NM_001406667.1, NM_001406668.1); c.658-4A>T (NM_001406680.1, NM_001406683.1, NM_001406687.1 and 6 more transcripts); c.-263-4A>T (NM_001406698.1); c.-55-36A>T (NM_001406694.1, NM_001406695.1); c.1246-4A>T (NM_001406671.1, NM_001406673.1); c.796-4A>T (NM_001406681.1); and 4 more.
Identifiers: ClinVar variation 2746021 (VCV002746021.4), dbSNP rs2086763634, ClinGen allele CA2697549629.

ClinVar aggregate classification (germline): Conflicting classifications of pathogenicity. Review status: criteria provided, conflicting classifications (1 of 4 stars). 2 submissions from 2 submitters: Uncertain significance (1); Likely benign (1). Last evaluated 2024-04-11.

Conditions:
Hereditary cancer-predisposing syndrome. Also called: Hereditary Cancer Syndrome; Tumor predisposition; Hereditary neoplastic syndrome; Neoplastic Syndromes, Hereditary. Identifiers: Orphanet 140162, MedGen C0027672, MeSH D009386, MONDO:0015356.
Tuberous sclerosis 2 (TSC2). Identifiers: Orphanet 805, MedGen C1860707, MONDO:0013199, OMIM 613254.

Submissions (2):

Ambry Genetics
Classification: Uncertain significance for Hereditary cancer-predisposing syndrome. Last evaluated: 2024-04-11. Review status: criteria provided, single submitter. Criteria: Ambry Variant Classification Scheme 2023. Collection method: clinical testing. Allele origin: germline.
Comment: The c.1258-4A>T intronic variant results from an A to T substitution 4 nucleotides upstream from coding exon 12 in the TSC2 gene. This nucleotide position is not well conserved in available vertebrate species. In silico splice site analysis for this alteration is inconclusive. Based on the available evidence, the clinical significance of this variant remains unclear.

Labcorp Genetics (formerly Invitae), Labcorp
Classification: Likely benign for Tuberous sclerosis 2. Last evaluated: 2023-07-24. Review status: criteria provided, single submitter. Criteria: Invitae Variant Classification Sherloc (09022015). Collection method: clinical testing. Allele origin: germline.